The following is an entry in ClinVar:

ClinVar aggregate classification (germline): Uncertain significance (1 of 4 stars; one submission).

Allele frequency attached by ClinVar (database versions not stated): gnomAD 0.00001; gnomAD exomes 0.00001.
gnomAD v4.1: 3 of 1,613,972 alleles (0.00019%); highest among the groups gnomAD compares: Admixed American, 0.0033%; no homozygotes.

Submission:

Labcorp Genetics (formerly Invitae), Labcorp
Classification: Uncertain significance. Last evaluated: 2023-11-27. Review status: criteria provided, single submitter. Criteria: Invitae Variant Classification Sherloc (09022015). Collection method: clinical testing. Allele origin: germline.
Comment: This sequence change replaces threonine, which is neutral and polar, with asparagine, which is neutral and polar, at codon 2777 of the VCAN protein (p.Thr2777Asn). This variant is present in population databases (no rsID available, gnomAD 0.006%). This variant has not been reported in the literature in individuals affected with VCAN-related conditions. ClinVar contains an entry for this variant (Variation ID: 1008909). An algorithm developed to predict the effect of missense changes on protein structure and function (PolyPhen-2) suggests that this variant is likely to be disruptive. In summary, the available evidence is currently insufficient to determine the role of this variant in disease. Therefore, it has been classified as a Variant of Uncertain Significance.

NM_004385.5(VCAN):c.8330C>A (p.Thr2777Asn)

Genes: VCAN (versican; plus strand), VCAN-AS1 (VCAN antisense RNA 1; minus strand). Cytogenetic location: 5q14.3.
Variant type: single nucleotide variant.
Coding change: c.8330C>A on transcript NM_004385.5 (MANE Select); coding-DNA position 8330, C replaced by A.
Protein change: p.Thr2777Asn; replaces threonine 2777 with asparagine.
Molecular consequence: missense variant. On other transcripts: intron variant (2).
Genome position (GRCh38, 1-based): chr5:83,541,333, C>A. VCF-style: chr5-83541333-C-A. GRCh37 (hg19) VCF-style: chr5-82837152-C-A.
Other names: c.5369C>A, p.Thr1790Asn (NM_001164097.2); c.4004-4204C>A (NM_001164098.2); c.1043-4204C>A (NM_001126336.3); short protein forms T1790N, T2777N.
Identifiers: ClinVar variation 1008909 (VCV001008909.6), dbSNP rs921952715, ClinGen allele CA121811788.